The following is an entry in ClinVar:

NM_003072.5(SMARCA4):c.295C>G (p.Arg99Gly)

Gene: SMARCA4 (SWI/SNF related BAF chromatin remodeling complex subunit ATPase 4; plus strand). Cytogenetic location: 19p13.2.
Variant type: single nucleotide variant.
Coding change: c.295C>G on transcript NM_003072.5 (MANE Select); coding-DNA position 295, C replaced by G.
Protein change: p.Arg99Gly; replaces arginine 99 with glycine.
Molecular consequence: missense variant. On other transcripts: non-coding transcript variant (1).
Genome position (GRCh38, 1-based): chr19:10,985,345, C>G. VCF-style: chr19-10985345-C-G. GRCh37 (hg19) VCF-style: chr19-11096021-C-G.
Other names: c.295C>G, p.Arg99Gly (NM_001128844.3, NM_001128845.2, NM_001128846.2 and 6 more transcripts); short protein forms R99G.
Identifiers: ClinVar variation 1798150 (VCV001798150.2), dbSNP rs778890805, ClinGen allele CA404055239.
Genomic context (GRCh38, chr19:10,985,345, plus strand): 5'-ATGCATGAGAAGGGCATGTCGGACGACCCGCGCTACAACCAGATGAAAGGAATGGGGATG[C>G]GGTCAGGGGGCCATGCTGGGATGGGGCCCCCGCCCAGCCCCATGGACCAGCACTCCCAAG-3'
Protein context (NP_003063.2, residues 89-109): RYNQMKGMGM[Arg99Gly]SGGHAGMGPP

ClinVar aggregate classification (germline): Uncertain significance (1 of 4 stars; one submission).

Conditions:
Hereditary cancer-predisposing syndrome. Also called: Neoplastic Syndromes, Hereditary; Tumor predisposition; Hereditary Cancer Syndrome; Hereditary neoplastic syndrome. Identifiers: Orphanet 140162, MedGen C0027672, MeSH D009386, MONDO:0015356.

Submission:

Ambry Genetics
Classification: Uncertain significance for Hereditary cancer-predisposing syndrome. Last evaluated: 2022-06-10. Review status: criteria provided, single submitter. Criteria: Ambry Variant Classification Scheme 2023. Collection method: clinical testing. Allele origin: germline.
Comment: The p.R99G variant (also known as c.295C>G), located in coding exon 2 of the SMARCA4 gene, results from a C to G substitution at nucleotide position 295. The arginine at codon 99 is replaced by glycine, an amino acid with dissimilar properties. Missense and in-frame variants in SMARCA4 are known to cause neurodevelopmental disorders; however, such associations with rhabdoid tumor predisposition syndrome including small cell carcinoma of the ovary-hypercalcemic type (SCCOHT) are exceedingly rare (Kosho T et al. Am J Med Genet C Semin Med Genet. 2014 Sep;166C(3):262-75; Jelinic P et al. Nat Genet. 2014 May;46(5):424-6). This amino acid position is highly conserved in available vertebrate species. In addition, this alteration is predicted to be deleterious by in silico analysis. Since supporting evidence is limited at this time, the clinical significance of this alteration remains unclear.